The following is an entry in ClinVar:

NM_019892.6(INPP5E):c.1787G>C (p.Arg596Thr)

Gene: INPP5E (inositol polyphosphate-5-phosphatase E; minus strand). Cytogenetic location: 9q34.3.
Variant type: single nucleotide variant.
Coding change: c.1787G>C on transcript NM_019892.6 (MANE Select); coding-DNA position 1787, G replaced by C.
Protein change: p.Arg596Thr; replaces arginine 596 with threonine.
Molecular consequence: missense variant.
Genome position (GRCh38, 1-based): chr9:136,430,292, C>G on the plus strand (G>C on the coding strand, the complement: INPP5E is on the minus strand). VCF-style: chr9-136430292-C-G. GRCh37 (hg19) VCF-style: chr9-139324744-C-G.
Other names: c.1784G>C, p.Arg595Thr (NM_001318502.2); short protein forms R596T, R595T.
Identifiers: ClinVar variation 591970 (VCV000591970.18), dbSNP rs765327224, ClinGen allele CA5336668.
Genomic context (GRCh38, chr9:136,430,292, plus strand): 5'-ACGACCCCCAGGCCCAAGGGGGAAGGTGAGCGGGAGAACACTGACTTGTCTCGCCCCGGC[C>G]TCACTTTCACCCGGAAGAGGCCATACACAGGGCGGTGGTCGGACGTCTTGATCCCGGGGC-3'
Protein context (NP_063945.2, residues 586-606): PVYGLFRVKV[Arg596Thr]PGRDNIPLAA

ClinVar aggregate classification (germline): Conflicting classifications of pathogenicity. Review status: criteria provided, conflicting classifications (1 of 4 stars). 6 submissions from 6 submitters: Likely pathogenic (2); Uncertain significance (2). 2 of the submissions do not count toward it. Last evaluated 2025-04-16.

Conditions:
INPP5E-related disorder. Also called: INPP5E-related condition.
Joubert syndrome. Also called: Familial aplasia of the vermis; JOUBERT-BOLTSHAUSER SYNDROME. Identifiers: Orphanet 475, MedGen C5979921, MONDO:0018772.
Retinal dystrophy. Also called: Inherited retinal dystrophy. Identifiers: Orphanet 71862, MedGen C0854723, MeSH D058499, MONDO:0019118, HP:0000556.
Rod-cone dystrophy. Identifiers: MedGen C4551714, HP:0000510.

Allele frequency attached by ClinVar (database versions not stated): TOPMed below 0.00001; gnomAD 0.00001; gnomAD exomes 0.00001; ExAC 0.00005.
gnomAD v4.1: 15 of 1,551,426 alleles (0.00097%); highest among the groups gnomAD compares: Non-Finnish European, 0.0013%; no homozygotes.

Submissions (6):

Labcorp Genetics (formerly Invitae), Labcorp
Classification: Uncertain significance for Joubert syndrome. Last evaluated: 2025-04-16. Review status: criteria provided, single submitter. Criteria: Invitae Variant Classification Sherloc (09022015). Collection method: clinical testing. Allele origin: germline.
Comment: This sequence change replaces arginine, which is basic and polar, with threonine, which is neutral and polar, at codon 596 of the INPP5E protein (p.Arg596Thr). This variant is not present in population databases (gnomAD no frequency). This variant has not been reported in the literature in individuals affected with INPP5E-related conditions. ClinVar contains an entry for this variant (Variation ID: 591970). Invitae Evidence Modeling of protein sequence and biophysical properties (such as structural, functional, and spatial information, amino acid conservation, physicochemical variation, residue mobility, and thermodynamic stability) indicates that this missense variant is expected to disrupt INPP5E protein function with a positive predictive value of 95%. In summary, the available evidence is currently insufficient to determine the role of this variant in disease. Therefore, it has been classified as a Variant of Uncertain Significance.

Blueprint Genetics
Classification: Likely pathogenic for INPP5E-related disorders. Last evaluated: 2024-09-30. Review status: criteria provided, single submitter. Criteria: ACMG Guidelines, 2015. Collection method: clinical testing. Allele origin: germline. Affected: yes. Observed: 4 variant alleles.

Clinical Genetics Laboratory, Skane University Hospital Lund
Classification: Uncertain significance. Last evaluated: 2023-10-12. Review status: criteria provided, single submitter. Criteria: ACMG Guidelines, 2015. Collection method: clinical testing. Allele origin: germline. Affected: yes.

Ocular Genomics Institute, Massachusetts Eye and Ear
Classification: Likely pathogenic for Rod-cone dystrophy. Last evaluated: 2021-04-08. Review status: criteria provided, single submitter. Criteria: ACMG Guidelines, 2015. Collection method: research. Allele origin: germline. Affected: yes.
Comment: Through a review of available evidence we were able to apply the following criteria: PM1, PM2, PP3, PM3. Based on this evidence we have classified this variant as Likely Pathogenic.

Institute of Human Genetics, Univ. Regensburg, Univ. Regensburg
Classification: Uncertain significance for Retinal dystrophy. Last evaluated: 2022-01-01. Review status: no assertion criteria provided. Criteria: ACMG Guidelines, 2015. Collection method: clinical testing. Allele origin: germline. Affected: yes. Not counted in ClinVar's aggregate classification.

Gharavi Laboratory, Columbia University
Classification: Uncertain significance. Last evaluated: 2018-09-16. Review status: no assertion criteria provided. Criteria: ACMG Guidelines, 2015. Collection method: research. Allele origin: germline. Affected: yes. Not counted in ClinVar's aggregate classification.